The following is an entry in ClinVar:

ClinVar aggregate classification (germline): Conflicting classifications of pathogenicity. Review status: criteria provided, conflicting classifications (1 of 4 stars). 8 submissions from 8 submitters: Pathogenic (3); Uncertain significance (3). 2 of the submissions do not count toward it. Last evaluated 2025-11-25.

Conditions:
Mucopolysaccharidosis, MPS-III-C (MPS3C). Also called: MUCOPOLYSACCHARIDOSIS, TYPE IIIC; MPS III C; MPS IIIC (Sanfilippo Syndrome Type C); SANFILIPPO SYNDROME C; Mucopolysaccharidosis type IIIC (Sanfilippo C); mucopolysaccharidosis type 3C. Identifiers: Orphanet 581, Orphanet 79271, MedGen C0086649, MONDO:0009657, OMIM 252930.
Retinitis pigmentosa 73 (RP73). Identifiers: Orphanet 791, MedGen C4225287, MONDO:0014687, OMIM 616544.
HGSNAT-related disorders.

Allele frequency attached by ClinVar (database versions not stated): gnomAD exomes 0.00002 and 0.00003; ExAC 0.00003; gnomAD 0.00009 and 0.00011; TOPMed 0.00014; ESP Exome Variant Server 0.00040.
gnomAD v4.1: 38 of 1,606,298 alleles (0.0024%); highest among the groups gnomAD compares: African/African-American, 0.032%; no homozygotes.

Submissions (8):

Dasa
Classification: Uncertain significance. Last evaluated: 2025-11-25. Review status: criteria provided, single submitter. Criteria: DASA Assertion Criteria. Collection method: clinical testing. Allele origin: germline.
Comment: NM_152419.3(HGSNAT):c.715C>T (p.Arg239Cys) is a missense variant that results in the substitution of arginine with cysteine. This variant has been reported in individuals with HGSNAT-related disorders (PMID: 32770643). Also, this variant is rare in population databases. Computational prediction algorithms are consistent with a deleterious effect. The currently available literature and clinical evidence are not sufficient to establish a definitive association between this variant and the reported condition. Therefore, this variant is classified as a variant of uncertain significance.

Labcorp Genetics (formerly Invitae), Labcorp
Classification: Pathogenic for Retinitis pigmentosa 73; Mucopolysaccharidosis, MPS-III-C. Last evaluated: 2025-08-29. Review status: criteria provided, single submitter. Criteria: Invitae Variant Classification Sherloc (09022015). Collection method: clinical testing. Allele origin: germline.
Comment: This sequence change replaces arginine, which is basic and polar, with cysteine, which is neutral and slightly polar, at codon 239 of the HGSNAT protein (p.Arg239Cys). This variant is present in population databases (rs369292480, gnomAD 0.03%). This missense change has been observed in individuals with clinical features of retinitis pigmentosa (PMID: 32770643; internal data). ClinVar contains an entry for this variant (Variation ID: 972000). Invitae Evidence Modeling of protein sequence and biophysical properties (such as structural, functional, and spatial information, amino acid conservation, physicochemical variation, residue mobility, and thermodynamic stability) indicates that this missense variant is expected to disrupt HGSNAT protein function with a positive predictive value of 95%. For these reasons, this variant has been classified as Pathogenic.

Women's Health and Genetics/Laboratory Corporation of America, LabCorp
Classification: Pathogenic for Retinitis pigmentosa 73. Last evaluated: 2025-05-29. Review status: criteria provided, single submitter. Criteria: LabCorp Variant Classification Summary - May 2015. Collection method: clinical testing. Allele origin: germline.
Comment: Variant summary: HGSNAT c.715C>T (p.Arg239Cys) results in a non-conservative amino acid change in the encoded protein sequence. Algorithms developed to predict the effect of missense changes on protein structure and function all suggest that this variant is likely to be disruptive. The variant allele was found at a frequency of 3e-05 in 235520 control chromosomes. c.715C>T has been observed in multiple individuals affected with Retinitis pigmentosa (e.g., Schiff_2020, dePalma_2024, internal data). To our knowledge, no experimental evidence demonstrating an impact on protein function has been reported. The following publications have been ascertained in the context of this evaluation (PMID: 32770643, 37592806). ClinVar contains an entry for this variant (Variation ID: 972000). Based on the evidence outlined above, the variant was classified as pathogenic.

CeGaT Center for Human Genetics Tuebingen
Classification: Uncertain significance. Last evaluated: 2024-10-01. Review status: criteria provided, single submitter. Criteria: CeGaT Center For Human Genetics Tuebingen Variant Classification Criteria Version 2. Collection method: clinical testing. Allele origin: germline. Affected: yes. Observed: 1 variant allele.
Comment: HGSNAT: PM2, PM3:Supporting

Blueprint Genetics
Classification: Pathogenic for HGSNAT-related disorders. Last evaluated: 2022-08-05. Review status: criteria provided, single submitter. Criteria: ACMG Guidelines, 2015. Collection method: clinical testing. Allele origin: germline. Affected: yes. Observed: 5 variant alleles.

GeneDx
Classification: Uncertain significance. Last evaluated: 2022-07-06. Review status: criteria provided, single submitter. Criteria: GeneDx Variant Classification Process June 2021. Collection method: clinical testing. Allele origin: germline. Affected: yes.
Comment: In silico analysis supports that this missense variant has a deleterious effect on protein structure/function; This variant is associated with the following publications: (PMID: 32770643)

Inherited Eye Disorders lab, UCL Institute of Ophthalmology
Classification: Likely pathogenic for Retinitis pigmentosa 73. Last evaluated: 2020-07-01. Review status: no assertion criteria provided. Collection method: clinical testing. Allele origin: inherited. Inheritance: Autosomal recessive inheritance. Affected: yes. Not counted in ClinVar's aggregate classification.

Natera, Inc.
Classification: Uncertain significance for Mucopolysaccharidosis type IIIC. Last evaluated: 2020-06-01. Review status: no assertion criteria provided. Collection method: clinical testing. Allele origin: germline. Not counted in ClinVar's aggregate classification.

Literature cited by the submitters: PubMed 32770643 (cited by 3 submitters); PubMed 37592806 (cited by Women's Health and Genetics/Laboratory Corporation of America, LabCorp).

NM_152419.3(HGSNAT):c.715C>T (p.Arg239Cys)

Gene: HGSNAT (heparan-alpha-glucosaminide N-acetyltransferase; plus strand). Cytogenetic location: 8p11.21.
Variant type: single nucleotide variant.
Coding change: c.715C>T on transcript NM_152419.3 (MANE Select); coding-DNA position 715, C replaced by T.
Protein change: p.Arg239Cys; replaces arginine 239 with cysteine.
Molecular consequence: missense variant. On other transcripts: 5 prime UTR variant (1).
Genome position (GRCh38, 1-based): chr8:43,170,666, C>T. VCF-style: chr8-43170666-C-T. GRCh37 (hg19) VCF-style: chr8-43025809-C-T.
Other names: c.715C>T, p.Arg239Cys (NM_001363227.2, NM_001363228.2); c.-119C>T (NM_001363229.2); short protein forms R239C.
Identifiers: ClinVar variation 972000 (VCV000972000.28), dbSNP rs369292480, ClinGen allele CA4736594.